The following is an entry in ClinVar:

NM_001278431.2(C1QTNF5):c.275C>T (p.Thr92Ile)

Genes: C1QTNF5 (C1q and TNF related 5; minus strand), MFRP (membrane frizzled-related protein; minus strand). Cytogenetic location: 11q23.3.
Variant type: single nucleotide variant.
Coding change: c.275C>T on transcript NM_001278431.2 (MANE Select); coding-DNA position 275, C replaced by T.
Protein change: p.Thr92Ile; replaces threonine 92 with isoleucine.
Molecular consequence: missense variant. On other transcripts: 3 prime UTR variant (1).
Genome position (GRCh38, 1-based): chr11:119,339,788, G>A on the plus strand (C>T on the coding strand, the complement: C1QTNF5 is on the minus strand). VCF-style: chr11-119339788-G-A. GRCh37 (hg19) VCF-style: chr11-119210498-G-A.
Other names: c.275C>T, p.Thr92Ile (NM_015645.5); c.*1171C>T (NM_031433.4); short protein forms T92I.
Identifiers: ClinVar variation 1426315 (VCV001426315.8), dbSNP rs2135364458, ClinGen allele CA382970005.

ClinVar aggregate classification (germline): Uncertain significance (1 of 4 stars; one submission).

Submission:

Labcorp Genetics (formerly Invitae), Labcorp
Classification: Uncertain significance. Last evaluated: 2025-03-03. Review status: criteria provided, single submitter. Criteria: Invitae Variant Classification Sherloc (09022015). Collection method: clinical testing. Allele origin: germline.
Comment: This sequence change replaces threonine, which is neutral and polar, with isoleucine, which is neutral and non-polar, at codon 92 of the C1QTNF5 protein (p.Thr92Ile). This variant is not present in population databases (gnomAD no frequency). This variant has not been reported in the literature in individuals affected with C1QTNF5-related conditions. ClinVar contains an entry for this variant (Variation ID: 1426315). An algorithm developed to predict the effect of missense changes on protein structure and function outputs the following: PolyPhen-2: "Benign". The isoleucine amino acid residue is found in multiple mammalian species, which suggests that this missense change does not adversely affect protein function. In summary, the available evidence is currently insufficient to determine the role of this variant in disease. Therefore, it has been classified as a Variant of Uncertain Significance.